The following is an entry in ClinVar:

ClinVar aggregate classification (germline): Uncertain significance. Review status: criteria provided, multiple submitters, no conflicts (2 of 4 stars). 4 submissions from 4 submitters: Uncertain significance (4). Last evaluated 2026-09-10.

Conditions:
POLG-related disorder. Also called: POLG-related condition; POLG-Related Disorders; POLG-Related Spectrum Disorders. Identifiers: MedGen C4763519.
Progressive sclerosing poliodystrophy (MTDPS4A). Also called: Mitochondrial DNA depletion syndrome 4A (Alpers type); Alpers Syndrome; NEURONAL DEGENERATION OF CHILDHOOD WITH LIVER DISEASE, PROGRESSIVE; ALPERS PROGRESSIVE INFANTILE POLIODYSTROPHY; ALPERS DIFFUSE DEGENERATION OF CEREBRAL GRAY MATTER WITH HEPATIC CIRRHOSIS; Alpers-Huttenlocher Syndrome. Identifiers: Orphanet 726, MedGen C0205710, MONDO:0008758, OMIM 203700.

Allele frequency attached by ClinVar (database versions not stated): gnomAD exomes below 0.00001 and 0.00001; TOPMed 0.00001.
gnomAD v4.1: 17 of 1,611,644 alleles (0.0011%); highest among the groups gnomAD compares: African/African-American, 0.0013%; no homozygotes.

Submissions (4):

PreventionGenetics, part of Exact Sciences
Classification: Uncertain significance for POLG-related condition. Last evaluated: 2026-09-10. Review status: criteria provided, single submitter. Criteria: ACMG Guidelines, 2015. Collection method: clinical testing. Allele origin: germline.
Comment: The POLG c.2252A>G variant is predicted to result in the amino acid substitution p.Lys751Arg. This variant has been reported with uncertain significance in an individual with bipolar disorder (Kasahara et al. 2017. PubMed ID: 27987238). This variant is present in 0.0033% of alleles in individuals of South Asian descent in gnomAD. At this time, the clinical significance of this variant is uncertain due to the absence of conclusive functional and genetic evidence.

Labcorp Genetics (formerly Invitae), Labcorp
Classification: Uncertain significance for Progressive sclerosing poliodystrophy. Last evaluated: 2025-10-02. Review status: criteria provided, single submitter. Criteria: Invitae Variant Classification Sherloc (09022015). Collection method: clinical testing. Allele origin: germline.
Comment: This sequence change replaces lysine, which is basic and polar, with arginine, which is basic and polar, at codon 751 of the POLG protein (p.Lys751Arg). This variant is present in population databases (rs796052886, gnomAD 0.003%). This variant has not been reported in the literature in individuals affected with POLG-related conditions. ClinVar contains an entry for this variant (Variation ID: 206521). Invitae Evidence Modeling of protein sequence and biophysical properties (such as structural, functional, and spatial information, amino acid conservation, physicochemical variation, residue mobility, and thermodynamic stability) indicates that this missense variant is not expected to disrupt POLG protein function with a negative predictive value of 95%. In summary, the available evidence is currently insufficient to determine the role of this variant in disease. Therefore, it has been classified as a Variant of Uncertain Significance.

GeneDx
Classification: Uncertain significance. Last evaluated: 2021-03-22. Review status: criteria provided, single submitter. Criteria: GeneDx Variant Classification Process June 2021. Collection method: clinical testing. Allele origin: germline. Affected: yes.
Comment: Functional analysis of K751R found that it is associated with slightly reduced polymerase and exonuclease activity compared to wild type (Kashara et al., 2016); Not observed at a significant frequency in large population cohorts (Lek et al., 2016); In-silico analysis, which includes splice predictors and evolutionary conservation, is inconclusive as to whether the variant alters gene splicing. In the absence of RNA/functional studies, the actual effect of this sequence change is unknown.; In silico analysis supports that this missense variant does not alter protein structure/function; This variant is associated with the following publications: (PMID: 27987238)

Mayo Clinic Laboratories, Mayo Clinic
Classification: Uncertain significance. Last evaluated: 2020-12-07. Review status: criteria provided, single submitter. Criteria: ACMG Guidelines, 2015. Collection method: clinical testing. Allele origin: germline. Observed: 1 variant allele.

NM_002693.3(POLG):c.2252A>G (p.Lys751Arg)

Gene: POLG (DNA polymerase gamma, catalytic subunit; minus strand). Cytogenetic location: 15q26.1.
Variant type: single nucleotide variant.
Coding change: c.2252A>G on transcript NM_002693.3 (MANE Select); coding-DNA position 2252, A replaced by G.
Protein change: p.Lys751Arg; replaces lysine 751 with arginine.
Molecular consequence: missense variant.
Genome position (GRCh38, 1-based): chr15:89,323,417, T>C on the plus strand (A>G on the coding strand, the complement: POLG is on the minus strand). VCF-style: chr15-89323417-T-C. GRCh37 (hg19) VCF-style: chr15-89866648-T-C.
Other names: p.K751R:AAG>AGG; c.2252A>G, p.Lys751Arg (NM_001126131.2); short protein forms K751R.
Identifiers: ClinVar variation 206521 (VCV000206521.11), dbSNP rs796052886, ClinGen allele CA316687.